The following is an entry in ClinVar:

ClinVar aggregate classification (germline): Uncertain significance (1 of 4 stars; one submission).

Allele frequency attached by ClinVar (database versions not stated): ExAC 0.00002; ESP Exome Variant Server 0.00008.
gnomAD v4.1: 27 of 1,613,436 alleles (0.0017%); highest among the groups gnomAD compares: East Asian, 0.0045%; no homozygotes.

Submission:

Labcorp Genetics (formerly Invitae), Labcorp
Classification: Uncertain significance. Last evaluated: 2025-04-01. Review status: criteria provided, single submitter. Criteria: Invitae Variant Classification Sherloc (09022015). Collection method: clinical testing. Allele origin: germline.
Comment: This sequence change replaces arginine, which is basic and polar, with tryptophan, which is neutral and slightly polar, at codon 1046 of the MICAL1 protein (p.Arg1046Trp). This variant is present in population databases (rs368801401, gnomAD 0.003%). This variant has not been reported in the literature in individuals affected with MICAL1-related conditions. ClinVar contains an entry for this variant (Variation ID: 2981972). An algorithm developed to predict the effect of missense changes on protein structure and function (PolyPhen-2) suggests that this variant is likely to be tolerated. In summary, the available evidence is currently insufficient to determine the role of this variant in disease. Therefore, it has been classified as a Variant of Uncertain Significance.

NM_022765.4(MICAL1):c.3079C>T (p.Arg1027Trp)

Gene: MICAL1 (microtubule associated monooxygenase, calponin and LIM domain containing 1; minus strand). Cytogenetic location: 6q21.
Variant type: single nucleotide variant.
Coding change: c.3079C>T on transcript NM_022765.4 (MANE Select); coding-DNA position 3079, C replaced by T.
Protein change: p.Arg1027Trp; replaces arginine 1027 with tryptophan.
Molecular consequence: missense variant.
Genome position (GRCh38, 1-based): chr6:109,444,316, G>A on the plus strand (C>T on the coding strand, the complement: MICAL1 is on the minus strand). VCF-style: chr6-109444316-G-A. GRCh37 (hg19) VCF-style: chr6-109765519-G-A.
Other names: c.2821C>T, p.Arg941Trp (NM_001159291.2); c.3136C>T, p.Arg1046Trp (NM_001286613.2); short protein forms R941W, R1027W, R1046W.
Identifiers: ClinVar variation 2981972 (VCV002981972.3), dbSNP rs368801401, ClinGen allele CA3952644.